The following is an entry in ClinVar:

ClinVar aggregate classification (germline): Uncertain significance (1 of 4 stars; one submission).

Allele frequency attached by ClinVar (database versions not stated): gnomAD exomes below 0.00001; TOPMed below 0.00001.
gnomAD v4.1: 2 of 1,344,368 alleles (0.00015%); highest among the groups gnomAD compares: South Asian, 0.0031%; no homozygotes.

Submission:

Labcorp Genetics (formerly Invitae), Labcorp
Classification: Uncertain significance. Last evaluated: 2021-11-17. Review status: criteria provided, single submitter. Criteria: Invitae Variant Classification Sherloc (09022015). Collection method: clinical testing. Allele origin: germline.
Comment: In summary, the available evidence is currently insufficient to determine the role of this variant in disease. Therefore, it has been classified as a Variant of Uncertain Significance. Algorithms developed to predict the effect of missense changes on protein structure and function are either unavailable or do not agree on the potential impact of this missense change (SIFT: "Tolerated"; PolyPhen-2: "Not Available"; Align-GVGD: "Class C0"). This variant has not been reported in the literature in individuals affected with HMX1-related conditions. This variant is not present in population databases (gnomAD no frequency). This sequence change replaces aspartic acid, which is acidic and polar, with asparagine, which is neutral and polar, at codon 48 of the HMX1 protein (p.Asp48Asn).

NM_018942.3(HMX1):c.142G>A (p.Asp48Asn)

Gene: HMX1 (H6 family homeobox 1; minus strand). Cytogenetic location: 4p16.1.
Variant type: single nucleotide variant.
Coding change: c.142G>A on transcript NM_018942.3 (MANE Select); coding-DNA position 142, G replaced by A.
Protein change: p.Asp48Asn; replaces aspartic acid 48 with asparagine.
Molecular consequence: missense variant.
Genome position (GRCh38, 1-based): chr4:8,871,473, C>T on the plus strand (G>A on the coding strand, the complement: HMX1 is on the minus strand). VCF-style: chr4-8871473-C-T. GRCh37 (hg19) VCF-style: chr4-8873199-C-T.
Other names: c.142G>A, p.Asp48Asn (NM_001306142.2); short protein forms D48N.
Identifiers: ClinVar variation 1346492 (VCV001346492.6), dbSNP rs1294127621, ClinGen allele CA356279272.
Genomic context (GRCh38, chr4:8,871,473, plus strand): 5'-GCCGCTGTAGCCGTCGCCGCCGCGCCTGCTCGGCGTCCTCGTCTTCGGGGTCGTCGTCGT[C>T]CTCCTCCTCGTCCTCCCGGCTGCCGTCGCCCTGGGTCGCGCGCCCTGCGCCCTTGGCCTC-3'
Protein context (NP_061815.2, residues 38-58): GDGSREDEEE[Asp48Asn]DDDPEDEDAE